The following is an entry in ClinVar:

ClinVar aggregate classification (germline): Uncertain significance (1 of 4 stars; one submission).

gnomAD v4.1: 1 of 1,612,476 alleles (0.000062%); no homozygotes.

Submission:

Labcorp Genetics (formerly Invitae), Labcorp
Classification: Uncertain significance. Last evaluated: 2024-11-29. Review status: criteria provided, single submitter. Criteria: Invitae Variant Classification Sherloc (09022015). Collection method: clinical testing. Allele origin: germline.
Comment: This sequence change replaces methionine, which is neutral and non-polar, with leucine, which is neutral and non-polar, at codon 2158 of the ASPM protein (p.Met2158Leu). This variant is not present in population databases (gnomAD no frequency). This variant has not been reported in the literature in individuals affected with ASPM-related conditions. Invitae Evidence Modeling of protein sequence and biophysical properties (such as structural, functional, and spatial information, amino acid conservation, physicochemical variation, residue mobility, and thermodynamic stability) indicates that this missense variant is not expected to disrupt ASPM protein function with a negative predictive value of 80%. In summary, the available evidence is currently insufficient to determine the role of this variant in disease. Therefore, it has been classified as a Variant of Uncertain Significance.

NM_018136.5(ASPM):c.6472A>T (p.Met2158Leu)

Gene: ASPM (assembly factor for spindle microtubules; minus strand). Cytogenetic location: 1q31.3.
Variant type: single nucleotide variant.
Coding change: c.6472A>T on transcript NM_018136.5 (MANE Select); coding-DNA position 6472, A replaced by T.
Protein change: p.Met2158Leu; replaces methionine 2158 with leucine.
Molecular consequence: missense variant. On other transcripts: intron variant (1).
Genome position (GRCh38, 1-based): chr1:197,102,779, T>A on the plus strand (A>T on the coding strand, the complement: ASPM is on the minus strand). VCF-style: chr1-197102779-T-A. GRCh37 (hg19) VCF-style: chr1-197071909-T-A.
Other names: c.4066-6615A>T (NM_001206846.2); short protein forms M2158L.
Identifiers: ClinVar variation 3676043 (VCV003676043.2).